The following is an entry in ClinVar:

NM_032620.4(GTPBP3):c.523C>T (p.Gln175Ter)

Gene: GTPBP3 (GTP binding protein 3, mitochondrial; plus strand). Cytogenetic location: 19p13.11.
Variant type: single nucleotide variant.
Coding change: c.523C>T on transcript NM_032620.4 (MANE Select); coding-DNA position 523, C replaced by T.
Protein change: p.Gln175Ter; replaces glutamine 175 with a stop codon.
Molecular consequence: nonsense.
Genome position (GRCh38, 1-based): chr19:17,338,673, C>T. VCF-style: chr19-17338673-C-T. GRCh37 (hg19) VCF-style: chr19-17449482-C-T.
Other names: c.523C>T, p.Gln175Ter (NM_001128855.3, NM_133644.4); c.589C>T, p.Gln197Ter (NM_001195422.1); short protein forms Q175*, Q197*.
Identifiers: ClinVar variation 2802192 (VCV002802192.3), dbSNP rs2513204411, ClinGen allele CA404734207.

ClinVar aggregate classification (germline): Pathogenic (1 of 4 stars; one submission).

Submission:

Labcorp Genetics (formerly Invitae), Labcorp
Classification: Pathogenic. Last evaluated: 2025-02-17. Review status: criteria provided, single submitter. Criteria: Invitae Variant Classification Sherloc (09022015). Collection method: clinical testing. Allele origin: germline.
Comment: This sequence change creates a premature translational stop signal (p.Gln175*) in the GTPBP3 gene. It is expected to result in an absent or disrupted protein product. Loss-of-function variants in GTPBP3 are known to be pathogenic (PMID: 25434004). This variant is not present in population databases (gnomAD no frequency). This variant has not been reported in the literature in individuals affected with GTPBP3-related conditions. ClinVar contains an entry for this variant (Variation ID: 2802192). Algorithms developed to predict the effect of sequence changes on RNA splicing suggest that this variant may disrupt the consensus splice site. For these reasons, this variant has been classified as Pathogenic.

Literature cited by the submitters: PubMed 25434004.